The following is an entry in ClinVar:

NM_004370.6(COL12A1):c.2680G>T (p.Ala894Ser)

Gene: COL12A1 (collagen type XII alpha 1 chain; minus strand). Cytogenetic location: 6q13.
Variant type: single nucleotide variant.
Coding change: c.2680G>T on transcript NM_004370.6 (MANE Select); coding-DNA position 2680, G replaced by T.
Protein change: p.Ala894Ser; replaces alanine 894 with serine.
Molecular consequence: missense variant. On other transcripts: intron variant (1).
Genome position (GRCh38, 1-based): chr6:75,175,068, C>A on the plus strand (G>T on the coding strand, the complement: COL12A1 is on the minus strand). VCF-style: chr6-75175068-C-A. GRCh37 (hg19) VCF-style: chr6-75884784-C-A.
Other names: c.74-22586G>T (NM_080645.3); short protein forms A894S.
Identifiers: ClinVar variation 2055168 (VCV002055168.4), dbSNP rs1415214085, ClinGen allele CA364761198.

ClinVar aggregate classification (germline): Uncertain significance (1 of 4 stars; one submission).

Conditions:
Ullrich congenital muscular dystrophy 2 (UCMD2). Identifiers: Orphanet 75840, MedGen C4225314, MONDO:0014654, OMIM 616470.
Bethlem myopathy 2 (BTHLM2). Identifiers: Orphanet 536516, Orphanet 610, MedGen C4225313, MONDO:0034022, OMIM 616471.

gnomAD v4.1: 8 of 1,613,958 alleles (0.0005%); highest among the groups gnomAD compares: Non-Finnish European, 0.00068%; no homozygotes.

Submission:

Labcorp Genetics (formerly Invitae), Labcorp
Classification: Uncertain significance for Bethlem myopathy 2; Ullrich congenital muscular dystrophy 2. Last evaluated: 2022-12-05. Review status: criteria provided, single submitter. Criteria: Invitae Variant Classification Sherloc (09022015). Collection method: clinical testing. Allele origin: germline.
Comment: In summary, the available evidence is currently insufficient to determine the role of this variant in disease. Therefore, it has been classified as a Variant of Uncertain Significance. Advanced modeling of protein sequence and biophysical properties (such as structural, functional, and spatial information, amino acid conservation, physicochemical variation, residue mobility, and thermodynamic stability) performed at Invitae indicates that this missense variant is not expected to disrupt COL12A1 protein function. This variant has not been reported in the literature in individuals affected with COL12A1-related conditions. This variant is not present in population databases (gnomAD no frequency). This sequence change replaces alanine, which is neutral and non-polar, with serine, which is neutral and polar, at codon 894 of the COL12A1 protein (p.Ala894Ser).